The following is an entry in ClinVar:

ClinVar aggregate classification (germline): Benign (1 of 4 stars; one submission).

Allele frequency attached by ClinVar (database versions not stated): 1000 Genomes Project 0.69269; 1000 Genomes Project 30x 0.69847; TOPMed 0.82000; gnomAD exomes 0.83297; gnomAD 0.83361 and 0.84350.
gnomAD v4.1: 568,661 of 682,690 alleles (83%); highest among the groups gnomAD compares: Non-Finnish European, 89%; 242,369 homozygotes.

Submission:

GeneDx
Classification: Benign. Last evaluated: 2018-06-14. Review status: criteria provided, single submitter. Criteria: GeneDx Variant Classification (06012015). Collection method: clinical testing. Allele origin: germline. Affected: yes.
Comment: This variant is considered likely benign or benign based on one or more of the following criteria: it is a conservative change, it occurs at a poorly conserved position in the protein, it is predicted to be benign by multiple in silico algorithms, and/or has population frequency not consistent with disease.

NM_030962.4(SBF2):c.3979-173G>C

Gene: SBF2 (SET binding factor 2; minus strand). Cytogenetic location: 11p15.4.
Variant type: single nucleotide variant.
Coding change: c.3979-173G>C on transcript NM_030962.4 (MANE Select); 173 bases into the intron before coding-DNA position 3979, G replaced by C.
Molecular consequence: intron variant.
Genome position (GRCh38, 1-based): chr11:9,812,881, C>G on the plus strand (G>C on the coding strand, the complement: SBF2 is on the minus strand). VCF-style: chr11-9812881-C-G. GRCh37 (hg19) VCF-style: chr11-9834428-C-G.
Other names: c.3850-173G>C (NM_001386342.1); c.4075-173G>C (NM_001386339.1).
Identifiers: ClinVar variation 669263 (VCV000669263.1), dbSNP rs4910506, ClinGen allele CA15694784.